The following is an entry in ClinVar:

NM_005629.4(SLC6A8):c.859_913-39del

Gene: SLC6A8 (solute carrier family 6 member 8; plus strand). Cytogenetic location: Xq28.
Variant type: Deletion.
Coding change: c.859_913-39del on transcript NM_005629.4 (MANE Select); coding-DNA position 859 through 39 bases into the intron before coding-DNA position 913, 103 bases deleted.
Molecular consequence: splice donor variant.
Genome position (GRCh38, 1-based): chrX:153,693,122-153,693,224, 103 bases deleted. GRCh37 (hg19): chrX:152,958,577-152,958,679.
Other names: c.859_913-39del (NM_001142805.2); c.514_568-39del (NM_001142806.1).
Identifiers: ClinVar variation 3655552 (VCV003655552.2).

ClinVar aggregate classification (germline): Likely pathogenic (1 of 4 stars; one submission).

Conditions:
Creatine transporter deficiency (CCDS1). Also called: Mental retardation , X-linked with seizures, short stature and midface hypoplasia; Mental retardation , X-linked, with creatine transport deficiency; X-linked creatine transporter deficiency; X-linked creatine deficiency syndrome; SLC6A8-Related Creatine Transporter Deficiency; CREATINE TRANSPORTER DEFECT. Identifiers: Orphanet 52503, MedGen C1845862, MONDO:0010305, OMIM 300352.

Submission:

Labcorp Genetics (formerly Invitae), Labcorp
Classification: Likely pathogenic for Creatine transporter deficiency. Last evaluated: 2024-06-04. Review status: criteria provided, single submitter. Criteria: Invitae Variant Classification Sherloc (09022015). Collection method: clinical testing. Allele origin: germline.
Comment: This variant results in the deletion of part of exon 5 (c.859_913-39del) of the SLC6A8 gene. It is expected to disrupt RNA splicing. Variants that disrupt the donor or acceptor splice site typically lead to a loss of protein function (PMID: 16199547), and loss-of-function variants in SLC6A8 are known to be pathogenic (PMID: 22281021). This variant is not present in population databases (gnomAD no frequency). This variant has not been reported in the literature in individuals affected with SLC6A8-related conditions. In summary, the currently available evidence indicates that the variant is pathogenic, but additional data are needed to prove that conclusively. Therefore, this variant has been classified as Likely Pathogenic.

Literature cited by the submitters: PubMed 16199547; PubMed 22281021.